The following is an entry in ClinVar:

NM_001253697.2(ERBIN):c.3005A>G (p.His1002Arg)

Gene: ERBIN (erbb2 interacting protein; plus strand). Cytogenetic location: 5q12.3.
Variant type: single nucleotide variant.
Coding change: c.3005A>G on transcript NM_001253697.2 (MANE Select); coding-DNA position 3005, A replaced by G.
Protein change: p.His1002Arg; replaces histidine 1002 with arginine.
Molecular consequence: missense variant.
Genome position (GRCh38, 1-based): chr5:66,054,323, A>G. VCF-style: chr5-66054323-A-G. GRCh37 (hg19) VCF-style: chr5-65350151-A-G.
Other names: c.3005A>G, p.His1002Arg (NM_001006600.3, NM_001253698.2, NM_001253699.2 and 1 more transcripts); c.2993A>G, p.His998Arg (NM_001253701.2); short protein forms H998R, H1002R.
Identifiers: ClinVar variation 4716917 (VCV004716917.1).

ClinVar aggregate classification (germline): Uncertain significance (1 of 4 stars; one submission).

gnomAD v4.1: 1 of 1,614,206 alleles (0.000062%); highest among the groups gnomAD compares: Non-Finnish European, 0.000085%; no homozygotes.

Submission:

Labcorp Genetics (formerly Invitae), Labcorp
Classification: Uncertain significance. Last evaluated: 2025-04-09. Review status: criteria provided, single submitter. Criteria: Invitae Variant Classification Sherloc (09022015). Collection method: clinical testing. Allele origin: germline.
Comment: This sequence change replaces histidine, which is basic and polar, with arginine, which is basic and polar, at codon 1002 of the ERBIN protein (p.His1002Arg). This variant is present in population databases (rs767965986, gnomAD 0.0009%). This variant has not been reported in the literature in individuals affected with ERBIN-related conditions. An algorithm developed to predict the effect of missense changes on protein structure and function (PolyPhen-2) suggests that this variant is likely to be tolerated. In summary, the available evidence is currently insufficient to determine the role of this variant in disease. Therefore, it has been classified as a Variant of Uncertain Significance.